The following is an entry in ClinVar:

NM_002430.3(MN1):c.1138C>T (p.Arg380Trp)

Gene: MN1 (MN1 proto-oncogene, transcriptional regulator; minus strand). Cytogenetic location: 22q12.1.
Variant type: single nucleotide variant.
Coding change: c.1138C>T on transcript NM_002430.3 (MANE Select); coding-DNA position 1138, C replaced by T.
Protein change: p.Arg380Trp; replaces arginine 380 with tryptophan.
Molecular consequence: missense variant.
Genome position (GRCh38, 1-based): chr22:27,799,406, G>A on the plus strand (C>T on the coding strand, the complement: MN1 is on the minus strand). VCF-style: chr22-27799406-G-A. GRCh37 (hg19) VCF-style: chr22-28195394-G-A.
Other names: short protein forms R380W.
Identifiers: ClinVar variation 2442482 (VCV002442482.1), dbSNP rs1359546111, ClinGen allele CA411049242.

ClinVar aggregate classification (germline): Uncertain significance (1 of 4 stars; one submission).

Allele frequency attached by ClinVar (database versions not stated): gnomAD exomes below 0.00001.

Submission:

GeneDx
Classification: Uncertain significance. Last evaluated: 2022-09-02. Review status: criteria provided, single submitter. Criteria: GeneDx Variant Classification Process June 2021. Collection method: clinical testing. Allele origin: germline. Affected: yes.
Comment: Not observed at significant frequency in large population cohorts (gnomAD); In silico analysis supports that this missense variant has a deleterious effect on protein structure/function; Has not been previously published as pathogenic or benign to our knowledge